The following is an entry in ClinVar:

ClinVar aggregate classification (germline): Uncertain significance. Review status: criteria provided, multiple submitters, no conflicts (2 of 4 stars). 3 submissions from 3 submitters: Uncertain significance (2). 1 of the submissions does not count toward it. Last evaluated 2024-02-28.

Conditions:
Optic nerve hypoplasia. Identifiers: MedGen C0338502, HP:0000609.
Foveal hypoplasia. Also called: Hypoplasia of the fovea. Identifiers: MedGen C2673946, MONDO:0044203, HP:0007750.

Allele frequency attached by ClinVar (database versions not stated): TOPMed below 0.00001; ExAC 0.00001; gnomAD 0.00001; gnomAD exomes 0.00001 and 0.00002.

Submissions (3):

Blueprint Genetics
Classification: Uncertain significance. Last evaluated: 2024-02-28. Review status: criteria provided, single submitter. Criteria: ACMG Guidelines, 2015. Collection method: clinical testing. Allele origin: germline.

Labcorp Genetics (formerly Invitae), Labcorp
Classification: Uncertain significance. Last evaluated: 2021-09-24. Review status: criteria provided, single submitter. Criteria: Invitae Variant Classification Sherloc (09022015). Collection method: clinical testing. Allele origin: germline.
Comment: This sequence change replaces alanine with valine at codon 59 of the ATOH7 protein (p.Ala59Val). The alanine residue is highly conserved and there is a small physicochemical difference between alanine and valine. This variant is present in population databases (rs754494518, ExAC 0.002%). This variant has been observed in individual(s) with clinical features of ATOH7-related conditions (PMID: 31696227). ClinVar contains an entry for this variant (Variation ID: 812673). Experimental studies have shown that this variant affects ATOH7 protein function (PMID: 31696227). In summary, the available evidence is currently insufficient to determine the role of this variant in disease. Therefore, it has been classified as a Variant of Uncertain Significance.

Institute of Medical Molecular Genetics, University of Zurich
Classification: Pathogenic for Optic nerve hypoplasia; Foveal hypoplasia. Last evaluated: 2019-08-14. Review status: no assertion criteria provided. Collection method: clinical testing, in vitro. Allele origin: unknown, maternal, paternal, germline. Affected: no and yes. Observed: 2 heterozygotes, 4 compound heterozygotes. Clinical features observed: Hypoplasia of the fovea (HP:0007750), Unaffected (HP:0032321), Optic nerve hypoplasia (HP:0000609). Segregation with disease observed. Not counted in ClinVar's aggregate classification.

Literature cited by the submitters: PubMed 31696227 (cited by Labcorp Genetics (formerly Invitae), Labcorp and Institute of Medical Molecular Genetics, University of Zurich).

NM_145178.4(ATOH7):c.176C>T (p.Ala59Val)

Gene: ATOH7 (atonal bHLH transcription factor 7; minus strand). Cytogenetic location: 10q21.3.
Variant type: single nucleotide variant.
Coding change: c.176C>T on transcript NM_145178.4 (MANE Select); coding-DNA position 176, C replaced by T.
Protein change: p.Ala59Val; replaces alanine 59 with valine.
Molecular consequence: missense variant.
Genome position (GRCh38, 1-based): chr10:68,231,502, G>A on the plus strand (C>T on the coding strand, the complement: ATOH7 is on the minus strand). VCF-style: chr10-68231502-G-A. GRCh37 (hg19) VCF-style: chr10-69991259-G-A.
Other names: short protein forms A59V.
Identifiers: ClinVar variation 812673 (VCV000812673.7), dbSNP rs754494518, ClinGen allele CA5523375.